The following is an entry in ClinVar:

ClinVar aggregate classification (germline): Uncertain significance (1 of 4 stars; one submission).

Conditions:
Idiopathic generalized epilepsy. Also called: EIG; Generalised epilepsy. Identifiers: MedGen C0270850, MONDO:0005579, OMIM 600669.
Hyperaldosteronism, familial, type IV (HALD4). Also called: FH IV; ALDOSTERONISM, PRIMARY, AND HYPERTENSION. Identifiers: Orphanet 642671, MedGen C4310756, MONDO:0014875, OMIM 617027.

Submission:

Labcorp Genetics (formerly Invitae), Labcorp
Classification: Uncertain significance for Idiopathic generalized epilepsy; Hyperaldosteronism, familial, type IV. Last evaluated: 2024-11-18. Review status: criteria provided, single submitter. Criteria: Invitae Variant Classification Sherloc (09022015). Collection method: clinical testing. Allele origin: germline.
Comment: This sequence change replaces aspartic acid, which is acidic and polar, with glutamic acid, which is acidic and polar, at codon 189 of the CACNA1H protein (p.Asp189Glu). This variant is not present in population databases (gnomAD no frequency). This variant has not been reported in the literature in individuals affected with CACNA1H-related conditions. Invitae Evidence Modeling of protein sequence and biophysical properties (such as structural, functional, and spatial information, amino acid conservation, physicochemical variation, residue mobility, and thermodynamic stability) has been performed for this missense variant. However, the output from this modeling did not meet the statistical confidence thresholds required to predict the impact of this variant on CACNA1H protein function. In summary, the available evidence is currently insufficient to determine the role of this variant in disease. Therefore, it has been classified as a Variant of Uncertain Significance.

NM_021098.3(CACNA1H):c.567C>A (p.Asp189Glu)

Gene: CACNA1H (calcium voltage-gated channel subunit alpha1 H; plus strand). Cytogenetic location: 16p13.3.
Variant type: single nucleotide variant.
Coding change: c.567C>A on transcript NM_021098.3 (MANE Select); coding-DNA position 567, C replaced by A.
Protein change: p.Asp189Glu; replaces aspartic acid 189 with glutamic acid.
Molecular consequence: missense variant.
Genome position (GRCh38, 1-based): chr16:1,195,947, C>A. VCF-style: chr16-1195947-C-A. GRCh37 (hg19) VCF-style: chr16-1245947-C-A.
Other names: c.567C>A, p.Asp189Glu (NM_001005407.2); short protein forms D189E.
Identifiers: ClinVar variation 3758806 (VCV003758806.2).
Genomic context (GRCh38, chr16:1,195,947, plus strand): 5'-GCTCCTTGTTGAGCTGCTCCCCCTCGGCCCCGCCCCCAGCATGATGGAGTACTCGTTGGA[C>A]GGACACAACGTGAGCCTCTCGGCTATCAGGACCGTGCGGGTGCTGCGGCCCCTCCGCGCC-3'
Protein context (NP_066921.2, residues 179-199): VVAGMMEYSL[Asp189Glu]GHNVSLSAIR